The following is an entry in ClinVar:

NM_024675.4(PALB2):c.3351-12G>C

Gene: PALB2 (partner and localizer of BRCA2; minus strand). Cytogenetic location: 16p12.2.
Variant type: single nucleotide variant.
Coding change: c.3351-12G>C on transcript NM_024675.4 (MANE Select); 12 bases into the intron before coding-DNA position 3351, G replaced by C.
Molecular consequence: intron variant.
Genome position (GRCh38, 1-based): chr16:23,603,681, C>G on the plus strand (G>C on the coding strand, the complement: PALB2 is on the minus strand). VCF-style: chr16-23603681-C-G. GRCh37 (hg19) VCF-style: chr16-23615002-C-G.
Other names: c.2229-12G>C (NM_001407308.1, NM_001407309.1); c.2466-12G>C (NM_001407306.1, NM_001407305.1, NM_001407304.1); c.885-12G>C (NM_001407314.1); c.1414-12G>C (NM_001407313.1); c.1563-12G>C (NM_001407312.1); c.3291-12G>C (NM_001407296.1); c.3279-12G>C (NM_001407297.1); c.3040-12G>C (NM_001407302.1); and 6 more.
Identifiers: ClinVar variation 3904309 (VCV003904309.1).
Genomic context (GRCh38, chr16:23,603,681, plus strand): 5'-AGTCAAGATTGCTGCTGCACAGTGATCTTTCACGTCACCTTCCAGGAACCTGATAGCATA[C>G]AAAGAAGATATAATTCAGATTACATATCCAAAAAACAATTAAAAAAAAAAAAAAGGTCAA-3'

ClinVar aggregate classification (germline): Likely benign (1 of 4 stars; one submission).

Conditions:
Familial cancer of breast. Also called: Hereditary breast cancer; hereditary breast carcinoma; BREAST CANCER, FAMILIAL. Identifiers: Orphanet 227535, MedGen C0346153, MONDO:0016419, OMIM 114480. Disease mechanism: loss of function.

Submission:

Myriad Genetics, Inc.
Classification: Likely benign for Familial cancer of breast. Last evaluated: 2025-01-22. Review status: criteria provided, single submitter. Criteria: Myriad Autosomal Dominant, Autosomal Recessive and X-Linked Classification Criteria (2023). Collection method: clinical testing. Allele origin: unknown.
Comment: This variant is considered likely benign. This variant is intronic and is not expected to impact mRNA splicing.